The following is an entry in ClinVar:

NM_000266.4(NDP):c.131A>G (p.Tyr44Cys)

Genes: NDP (norrin cystine knot growth factor NDP; minus strand), NDP-AS1 (NDP antisense RNA 1; plus strand). Cytogenetic location: Xp11.3.
Variant type: single nucleotide variant.
Coding change: c.131A>G on transcript NM_000266.4 (MANE Select); coding-DNA position 131, A replaced by G.
Protein change: p.Tyr44Cys; replaces tyrosine 44 with cysteine.
Molecular consequence: missense variant.
Genome position (GRCh38, 1-based): chrX:43,958,515, T>C on the plus strand (A>G on the coding strand, the complement: NDP is on the minus strand). VCF-style: chrX-43958515-T-C. GRCh37 (hg19) VCF-style: chrX-43817761-T-C.
Other names: c.131A>G (NM_000266.3); short protein forms Y44C.
Identifiers: ClinVar variation 10682 (VCV000010682.8), dbSNP rs104894870, ClinGen allele CA255469.
Genomic context (GRCh38, chrX:43,958,515, plus strand): 5'-AGAGACCTTGGTCTTACCTTTGAGCTACACTTGTACAATGGGTGACTGATAGAATCCACA[T>C]AGTGGTGCCTCATGCAGCGTCGAGGGTCCGAGTCCATTATGAATGAGCTGTCCGTTTTAC-3'
Protein context (NP_000257.1, residues 34-54): SDPRRCMRHH[Tyr44Cys]VDSISHPLYK

ClinVar aggregate classification (germline): Likely pathogenic. Review status: criteria provided, multiple submitters, no conflicts (2 of 4 stars). 4 submissions from 4 submitters: Likely pathogenic (3). 1 of the submissions does not count toward it. Last evaluated 2025-05-11.

Conditions:
NDP-related disorders.
Atrophia bulborum hereditaria (ND). Also called: Pseudoglioma; Norrie syndrome; Norrie-Warburg syndrome; Anderson-Warburg syndrome; Fetal iritis syndrome; EPISKOPI BLINDNESS. Identifiers: Orphanet 649, MedGen C0266526, MONDO:0010691, OMIM 310600, HP:6000262.

Submissions (4):

GeneDx
Classification: Likely pathogenic. Last evaluated: 2025-05-11. Review status: criteria provided, single submitter. Criteria: GeneDx Variant Classification Process June 2021. Collection method: clinical testing. Allele origin: germline. Affected: yes.
Comment: Published functional studies demonstrate a damaging effect (PMID: 38517429); Not observed at significant frequency in large population cohorts (gnomAD); In silico analysis suggests that this missense variant does not alter protein structure/function; This variant is associated with the following publications: (PMID: 35651932, 37089697, 38517429, 14635119, 1303264)

Labcorp Genetics (formerly Invitae), Labcorp
Classification: Likely pathogenic. Last evaluated: 2023-07-03. Review status: criteria provided, single submitter. Criteria: Invitae Variant Classification Sherloc (09022015). Collection method: clinical testing. Allele origin: germline.
Comment: In summary, the currently available evidence indicates that the variant is pathogenic, but additional data are needed to prove that conclusively. Therefore, this variant has been classified as Likely Pathogenic. Advanced modeling of protein sequence and biophysical properties (such as structural, functional, and spatial information, amino acid conservation, physicochemical variation, residue mobility, and thermodynamic stability) has been performed at Invitae for this missense variant, however the output from this modeling did not meet the statistical confidence thresholds required to predict the impact of this variant on NDP protein function. ClinVar contains an entry for this variant (Variation ID: 10682). This missense change has been observed in individual(s) with exudative vitreoretinopathy and/or Norrie disease (PMID: 1303264, 14635119; Invitae). This variant is not present in population databases (gnomAD no frequency). This sequence change replaces tyrosine, which is neutral and polar, with cysteine, which is neutral and slightly polar, at codon 44 of the NDP protein (p.Tyr44Cys).

Blueprint Genetics
Classification: Likely pathogenic for NDP-related disorders. Last evaluated: 2017-10-04. Review status: criteria provided, single submitter. Criteria: ACMG Guidelines, 2015. Collection method: clinical testing. Allele origin: germline. Affected: yes. Observed: 1 variant allele.

OMIM
Classification: Pathogenic for NORRIE DISEASE. Last evaluated: 1992-10-01. Review status: no assertion criteria provided. Collection method: literature only. Allele origin: germline. Not counted in ClinVar's aggregate classification.

Literature cited by the submitters: PubMed 1303264 (cited by Labcorp Genetics (formerly Invitae), Labcorp and OMIM); PubMed 14635119 (cited by Labcorp Genetics (formerly Invitae), Labcorp).